The following is an entry in ClinVar:

ClinVar aggregate classification (germline): Likely pathogenic (1 of 4 stars; one submission).

Conditions:
Retinitis pigmentosa (RP). Identifiers: Orphanet 791, MedGen C0035334, MeSH D012174, MONDO:0019200, OMIM 268000. Inheritance: Autosomal dominant, autosomal recessive and X linked inheritance.

Submission:

Broad Center for Mendelian Genomics, Broad Institute of MIT and Harvard
Classification: Likely pathogenic for Retinitis pigmentosa. Last evaluated: 2021-04-01. Review status: criteria provided, single submitter. Criteria: ACMG Guidelines, 2015. Collection method: curation. Allele origin: germline. Inheritance: Autosomal recessive inheritance. Affected: yes.
Comment: Through a review of available evidence we were able to apply the following criteria: PVS1, PM2. Based on this evidence we have classified this variant as Likely Pathogenic. If you have any questions about the classification please reach out to the Pierce Lab.

Literature cited by the submitters: PubMed 34906470.

NM_001029883.3(PCARE):c.1763dup (p.Pro588_Glu589insTer)

Gene: PCARE (photoreceptor cilium actin regulator; minus strand). Cytogenetic location: 2p23.2.
Variant type: Duplication.
Coding change: c.1763dup on transcript NM_001029883.3 (MANE Select); coding-DNA position 1763, one base duplicated (C; older notation c.1763dupC).
Protein change: p.Pro588_Glu589insTer.
Molecular consequence: frameshift variant.
Genome position (GRCh38, 1-based): chr2:29,072,499, G duplicated on the plus strand (C on the coding strand, the reverse complement: PCARE is on the minus strand); the first of 4 consecutive G bases (chr2:29,072,499-29,072,502); duplicating any one gives the same sequence. VCF-style (leftmost placement, unchanged base first): chr2-29072498-A-AG. GRCh37 (hg19) VCF-style: chr2-29295364-A-AG.
Identifiers: ClinVar variation 1297095 (VCV001297095.2), dbSNP rs763206332, ClinGen allele CA44642120.